The following is an entry in ClinVar:

ClinVar aggregate classification (germline): Likely pathogenic (1 of 4 stars; one submission).

Conditions:
TTC8-related disorder. Also called: TTC8-related condition.

gnomAD v4.1: 3 of 1,614,108 alleles (0.00019%); highest among the groups gnomAD compares: Non-Finnish European, 0.00025%; no homozygotes.

Submission:

PreventionGenetics, part of Exact Sciences
Classification: Likely pathogenic for TTC8-related condition. Last evaluated: 2026-03-31. Review status: criteria provided, single submitter. Criteria: ACMG Guidelines, 2015. Collection method: clinical testing. Allele origin: germline.
Comment: The TTC8 c.319C>T variant is predicted to result in premature protein termination (p.Gln107*). To our knowledge, this variant has not been reported in the literature. This variant is reported in 0.00088% of alleles in individuals of European (Non-Finnish) descent in gnomAD. Nonsense variants in TTC8 are expected to be pathogenic. This variant is interpreted as likely pathogenic.

NM_144596.4(TTC8):c.319C>T (p.Gln107Ter)

Gene: TTC8 (tetratricopeptide repeat domain 8; plus strand). Cytogenetic location: 14q31.3.
Variant type: single nucleotide variant.
Coding change: c.319C>T on transcript NM_144596.4 (MANE Select); coding-DNA position 319, C replaced by T.
Protein change: p.Gln107Ter; replaces glutamine 107 with a stop codon.
Molecular consequence: nonsense. On other transcripts: 5 prime UTR variant (2), non-coding transcript variant (1).
Genome position (GRCh38, 1-based): chr14:88,840,918, C>T. VCF-style: chr14-88840918-C-T. GRCh37 (hg19) VCF-style: chr14-89307262-C-T.
Other names: c.289C>T, p.Gln97Ter (NM_001288781.1, NM_001366535.2, NM_001366536.2 and 2 more transcripts); c.-274C>T (NM_001288782.1); c.-369C>T (NM_001288783.1); short protein forms Q107*, Q97*.
Identifiers: ClinVar variation 4977152 (VCV004977152.1).